The following is an entry in ClinVar:

ClinVar aggregate classification (germline): Pathogenic. Review status: criteria provided, single submitter (1 of 4 stars). 2 submissions from 2 submitters: Pathogenic (1). 1 of the submissions does not count toward it. Last evaluated 2015-07-23.

Conditions:
Hereditary cancer-predisposing syndrome. Also called: Neoplastic Syndromes, Hereditary; Tumor predisposition; Hereditary Cancer Syndrome; Hereditary neoplastic syndrome. Identifiers: Orphanet 140162, MedGen C0027672, MeSH D009386, MONDO:0015356.
Familial cancer of breast. Also called: BREAST CANCER, FAMILIAL; hereditary breast carcinoma; Hereditary breast cancer. Identifiers: Orphanet 227535, MedGen C0346153, MONDO:0016419, OMIM 114480. Disease mechanism: loss of function.

Submissions (2):

Ambry Genetics
Classification: Pathogenic for Hereditary cancer-predisposing syndrome. Last evaluated: 2015-07-23. Review status: criteria provided, single submitter. Criteria: Ambry Variant Classification Scheme 2023. Collection method: clinical testing. Allele origin: germline.
Comment: The c.2156delC pathogenic mutation, located in coding exon 5 of the PALB2 gene, results from a deletion of one nucleotide at position 2156, causing a translational frameshift with a predicted alternate stop codon. Since frameshifts are typically deleterious in nature, this alteration is interpreted as a disease-causing mutation (ACMG Recommendations for Standards for Interpretation and Reporting of Sequence Variations. Revision 2007. Genet Med. 2008;10:294).

Counsyl
Classification: Likely pathogenic for Familial cancer of breast. Last evaluated: 2018-03-12. Review status: no assertion criteria provided. Collection method: clinical testing. Allele origin: unknown. Not counted in ClinVar's aggregate classification.

NM_024675.4(PALB2):c.2156del (p.Pro719fs)

Gene: PALB2 (partner and localizer of BRCA2; minus strand). Cytogenetic location: 16p12.2.
Variant type: Deletion.
Coding change: c.2156del on transcript NM_024675.4 (MANE Select); coding-DNA position 2156, one base deleted (C; older notation c.2156delC).
Protein change: p.Pro719fs; shifts the reading frame from proline 719.
Molecular consequence: frameshift variant.
Genome position (GRCh38, 1-based): chr16:23,629,998, G deleted on the plus strand (C on the coding strand, the reverse complement: PALB2 is on the minus strand); the first of 2 consecutive G bases (chr16:23,629,998-23,629,999); deleting either gives the same sequence. VCF-style (leftmost placement, unchanged base first): chr16-23629997-AG-A. GRCh37 (hg19) VCF-style: chr16-23641318-AG-A.
Other names: c.2156delC (NM_024675.3); short protein forms P719fs.
Identifiers: ClinVar variation 233097 (VCV000233097.7), dbSNP rs876660193, ClinGen allele CA10579983.